The following is an entry in ClinVar:

NM_001369.3(DNAH5):c.3181A>G (p.Ile1061Val)

Genes: DNAH5 (dynein axonemal heavy chain 5; minus strand), DNAH5-AS1 (DNAH5 antisense RNA 1; plus strand). Cytogenetic location: 5p15.2.
Variant type: single nucleotide variant.
Coding change: c.3181A>G on transcript NM_001369.3 (MANE Select); coding-DNA position 3181, A replaced by G.
Protein change: p.Ile1061Val; replaces isoleucine 1061 with valine.
Molecular consequence: missense variant.
Genome position (GRCh38, 1-based): chr5:13,882,809, T>C on the plus strand (A>G on the coding strand, the complement: DNAH5 is on the minus strand). VCF-style: chr5-13882809-T-C. GRCh37 (hg19) VCF-style: chr5-13882918-T-C.
Other names: short protein forms I1061V.
Identifiers: ClinVar variation 2070941 (VCV002070941.4), dbSNP rs1771855564, ClinGen allele CA359192476.
Genomic context (GRCh38, chr5:13,882,809, plus strand): 5'-TTTCAACATCAGAATCACTGTCTTCATTACTCTGCAAAGCAGCCATTTTTCTTTCTTGTA[T>C]CTTTTTCTACAATGTAAAAGGATATTTTTCAGTTCTGTCCTATCTGTAAAAGAAGTGGTT-3'
Protein context (NP_001360.1, residues 1051-1071): WSSELLSKKK[Ile1061Val]QERKMAALQS

ClinVar aggregate classification (germline): Uncertain significance (1 of 4 stars; one submission).

Conditions:
Primary ciliary dyskinesia. Also called: Ciliary dyskinesia. Identifiers: Orphanet 244, MedGen C0008780, MONDO:0016575, HP:0012265.

Allele frequency attached by ClinVar (database versions not stated): gnomAD exomes 0.00001.
gnomAD v4.1: 6 of 1,614,118 alleles (0.00037%); highest among the groups gnomAD compares: East Asian, 0.013%; no homozygotes.

Submission:

Labcorp Genetics (formerly Invitae), Labcorp
Classification: Uncertain significance for Primary ciliary dyskinesia. Last evaluated: 2023-08-17. Review status: criteria provided, single submitter. Criteria: Invitae Variant Classification Sherloc (09022015). Collection method: clinical testing. Allele origin: germline.
Comment: Advanced modeling of protein sequence and biophysical properties (such as structural, functional, and spatial information, amino acid conservation, physicochemical variation, residue mobility, and thermodynamic stability) performed at Invitae indicates that this missense variant is not expected to disrupt DNAH5 protein function. ClinVar contains an entry for this variant (Variation ID: 2070941). This variant has not been reported in the literature in individuals affected with DNAH5-related conditions. This variant is not present in population databases (gnomAD no frequency). This sequence change replaces isoleucine, which is neutral and non-polar, with valine, which is neutral and non-polar, at codon 1061 of the DNAH5 protein (p.Ile1061Val). In summary, the available evidence is currently insufficient to determine the role of this variant in disease. Therefore, it has been classified as a Variant of Uncertain Significance.